The following is an entry in ClinVar:

ClinVar aggregate classification (germline): Uncertain significance (1 of 4 stars; one submission).

Conditions:
Cardiovascular phenotype. Identifiers: MedGen CN230736.

Submission:

Ambry Genetics
Classification: Uncertain significance for Cardiovascular phenotype. Last evaluated: 2026-02-13. Review status: criteria provided, single submitter. Criteria: Ambry Variant Classification Scheme 2023. Collection method: clinical testing. Allele origin: germline.
Comment: The p.V507E variant (also known as c.1520T>A), located in coding exon 10 of the CBL gene, results from a T to A substitution at nucleotide position 1520. The valine at codon 507 is replaced by glutamic acid, an amino acid with dissimilar properties. This amino acid position is conserved. In addition, this alteration is predicted to be tolerated by in silico analysis. Based on the available evidence, the clinical significance of this variant remains unclear.

NM_005188.4(CBL):c.1520T>A (p.Val507Glu)

Gene: CBL (Cbl proto-oncogene; plus strand). Cytogenetic location: 11q23.3.
Variant type: single nucleotide variant.
Coding change: c.1520T>A on transcript NM_005188.4 (MANE Select); coding-DNA position 1520, T replaced by A.
Protein change: p.Val507Glu; replaces valine 507 with glutamic acid.
Molecular consequence: missense variant.
Genome position (GRCh38, 1-based): chr11:119,285,057, T>A. VCF-style: chr11-119285057-T-A. GRCh37 (hg19) VCF-style: chr11-119155767-T-A.
Other names: short protein forms V507E.
Identifiers: ClinVar variation 4825174 (VCV004825174.1).
Genomic context (GRCh38, chr11:119,285,057, plus strand): 5'-TGGCCCCACAAGCTTCCCTTCCCCCGGTGCCACCACGACTTGACCTTCTGCCGCAGCGAG[T>A]ATGTGTTCCCTCAAGTGCTTCTGCTCTTGGAACTGCTTCTAAGGTAAAGCATTTTCCATT-3'
Protein context (NP_005179.2, residues 497-517): PPRLDLLPQR[Val507Glu]CVPSSASALG